The following is an entry in ClinVar:

NM_022042.4(SLC26A1):c.97G>A (p.Ala33Thr)

Genes: IDUA (alpha-L-iduronidase; plus strand), SLC26A1 (solute carrier family 26 member 1; minus strand). Cytogenetic location: 4p16.3.
Variant type: single nucleotide variant.
Coding change: c.97G>A on transcript NM_022042.4 (MANE Select); coding-DNA position 97, G replaced by A.
Protein change: p.Ala33Thr; replaces alanine 33 with threonine.
Molecular consequence: missense variant. On other transcripts: intron variant (1).
Genome position (GRCh38, 1-based): chr4:991,607, C>T on the plus strand (G>A on the coding strand, the complement: SLC26A1 is on the minus strand). VCF-style: chr4-991607-C-T. GRCh37 (hg19) VCF-style: chr4-985395-C-T.
Other names: c.97G>A, p.Ala33Thr (NM_134425.4, NM_213613.4); c.299+3658C>T (NM_000203.5); short protein forms A33T.
Identifiers: ClinVar variation 4697888 (VCV004697888.1).

ClinVar aggregate classification (germline): Uncertain significance (1 of 4 stars; one submission).

gnomAD v4.1: 4 of 1,593,300 alleles (0.00025%); highest among the groups gnomAD compares: African/African-American, 0.0013%; no homozygotes.

Submission:

Labcorp Genetics (formerly Invitae), Labcorp
Classification: Uncertain significance. Last evaluated: 2025-11-21. Review status: criteria provided, single submitter. Criteria: Invitae Variant Classification Sherloc (09022015). Collection method: clinical testing. Allele origin: germline.
Comment: This sequence change replaces alanine, which is neutral and non-polar, with threonine, which is neutral and polar, at codon 33 of the SLC26A1 protein (p.Ala33Thr). This variant is present in population databases (rs764941842, gnomAD 0.007%). This variant has not been reported in the literature in individuals affected with SLC26A1-related conditions. Invitae Evidence Modeling of protein sequence and biophysical properties (such as structural, functional, and spatial information, amino acid conservation, physicochemical variation, residue mobility, and thermodynamic stability) indicates that this missense variant is not expected to disrupt SLC26A1 protein function with a negative predictive value of 80%. In summary, the available evidence is currently insufficient to determine the role of this variant in disease. Therefore, it has been classified as a Variant of Uncertain Significance.